The following is an entry in ClinVar:

ClinVar aggregate classification (germline): Uncertain significance (1 of 4 stars; one submission).

Allele frequency attached by ClinVar (database versions not stated): gnomAD exomes 0.00003 and 0.00010; gnomAD 0.00006 and 0.00009; TOPMed 0.00006; ExAC 0.00009; 1000 Genomes Project 0.00080; 1000 Genomes Project 30x 0.00094.

Submission:

Labcorp Genetics (formerly Invitae), Labcorp
Classification: Uncertain significance. Last evaluated: 2025-12-15. Review status: criteria provided, single submitter. Criteria: Invitae Variant Classification Sherloc (09022015). Collection method: clinical testing. Allele origin: germline.
Comment: This sequence change replaces threonine, which is neutral and polar, with isoleucine, which is neutral and non-polar, at codon 45 of the CARD8 protein (p.Thr45Ile). This variant is present in population databases (rs188154027, gnomAD 0.1%), and has an allele count higher than expected for a pathogenic variant. This variant has not been reported in the literature in individuals affected with CARD8-related conditions. ClinVar contains an entry for this variant (Variation ID: 1510890). An algorithm developed to predict the effect of missense changes on protein structure and function outputs the following: PolyPhen-2: "Benign". The isoleucine amino acid residue is found in multiple mammalian species, which suggests that this missense change does not adversely affect protein function. In summary, the available evidence is currently insufficient to determine the role of this variant in disease. Therefore, it has been classified as a Variant of Uncertain Significance.

NM_001184900.3(CARD8):c.284C>T (p.Thr95Ile)

Gene: CARD8 (caspase recruitment domain family member 8; minus strand). Cytogenetic location: 19q13.33.
Variant type: single nucleotide variant.
Coding change: c.284C>T on transcript NM_001184900.3 (MANE Select); coding-DNA position 284, C replaced by T.
Protein change: p.Thr95Ile; replaces threonine 95 with isoleucine.
Molecular consequence: missense variant. On other transcripts: nonsense (6), 5 prime UTR variant (1), non-coding transcript variant (4).
Genome position (GRCh38, 1-based): chr19:48,234,469, G>A on the plus strand (C>T on the coding strand, the complement: CARD8 is on the minus strand). VCF-style: chr19-48234469-G-A. GRCh37 (hg19) VCF-style: chr19-48737726-G-A.
Other names: c.134C>T, p.Thr45Ile (NM_001184901.1, NM_001351783.2, NM_001351788.2 and 2 more transcripts); c.284C>T, p.Thr95Ile (NM_001184902.2, NM_001184903.1, NM_001351782.2); c.10C>T, p.Gln4Ter (NM_001351784.2, NM_001351787.2, NM_001351791.2 and 2 more transcripts); c.-205C>T (NM_001351786.2); c.82C>T, p.Gln28Ter (NM_001351790.2); short protein forms Q28*, T45I, T95I, Q4*.
Identifiers: ClinVar variation 1510890 (VCV001510890.8), dbSNP rs188154027, ClinGen allele CA9548104.